The following is an entry in ClinVar:

ClinVar aggregate classification (germline): Uncertain significance (1 of 4 stars; one submission).

Conditions:
Dyskeratosis congenita. Identifiers: Orphanet 1775, MedGen C0265965, MONDO:0015780.

Submission:

Ambry Genetics
Classification: Uncertain significance for Dyskeratosis congenita. Last evaluated: 2023-01-01. Review status: criteria provided, single submitter. Criteria: Ambry Variant Classification Scheme 2023. Collection method: clinical testing. Allele origin: germline.
Comment: The p.N737I variant (also known as c.2210A>T), located in coding exon 6 of the TERT gene, results from an A to T substitution at nucleotide position 2210. The asparagine at codon 737 is replaced by isoleucine, an amino acid with dissimilar properties. This amino acid position is conserved. In addition, the in silico prediction for this alteration is inconclusive. Since supporting evidence is limited at this time, the clinical significance of this alteration remains unclear.

NM_198253.3(TERT):c.2210A>T (p.Asn737Ile)

Gene: TERT (telomerase reverse transcriptase; minus strand). Cytogenetic location: 5p15.33.
Variant type: single nucleotide variant.
Coding change: c.2210A>T on transcript NM_198253.3 (MANE Select); coding-DNA position 2210, A replaced by T.
Protein change: p.Asn737Ile; replaces asparagine 737 with isoleucine.
Molecular consequence: missense variant. On other transcripts: non-coding transcript variant (2).
Genome position (GRCh38, 1-based): chr5:1,278,717, T>A on the plus strand (A>T on the coding strand, the complement: TERT is on the minus strand). VCF-style: chr5-1278717-T-A. GRCh37 (hg19) VCF-style: chr5-1278832-T-A.
Other names: c.2210A>T, p.Asn737Ile (NM_001193376.3, NM_003219.1); short protein forms N737I.
Identifiers: ClinVar variation 2454077 (VCV002454077.2), dbSNP rs1749789809, ClinGen allele CA359079310.